The following is an entry in ClinVar:

ClinVar aggregate classification (germline): Uncertain significance. Review status: criteria provided, multiple submitters, no conflicts (2 of 4 stars). 2 submissions from 2 submitters: Uncertain significance (2). Last evaluated 2025-04-11.

Allele frequency attached by ClinVar (database versions not stated): gnomAD exomes 0.00002 and 0.00003; TOPMed 0.00002; gnomAD 0.00003 and 0.00004; ExAC 0.00006.
gnomAD v4.1: 32 of 1,613,924 alleles (0.002%); highest among the groups gnomAD compares: Middle Eastern, 0.016%; no homozygotes.

Submissions (2):

Labcorp Genetics (formerly Invitae), Labcorp
Classification: Uncertain significance. Last evaluated: 2025-04-11. Review status: criteria provided, single submitter. Criteria: Invitae Variant Classification Sherloc (09022015). Collection method: clinical testing. Allele origin: germline.
Comment: This sequence change replaces arginine, which is basic and polar, with cysteine, which is neutral and slightly polar, at codon 927 of the LAMB1 protein (p.Arg927Cys). This variant is present in population databases (rs780057144, gnomAD 0.01%). This variant has not been reported in the literature in individuals affected with LAMB1-related conditions. ClinVar contains an entry for this variant (Variation ID: 1302574). An algorithm developed to predict the effect of missense changes on protein structure and function (PolyPhen-2) suggests that this variant is likely to be disruptive. In summary, the available evidence is currently insufficient to determine the role of this variant in disease. Therefore, it has been classified as a Variant of Uncertain Significance.

GeneDx
Classification: Uncertain significance. Last evaluated: 2019-07-15. Review status: criteria provided, single submitter. Criteria: GeneDx Variant Classification Process June 2021. Collection method: clinical testing. Allele origin: germline. Affected: yes.
Comment: Not observed at a significant frequency in large population cohorts (Lek et al., 2016); In silico analysis, which includes protein predictors and evolutionary conservation, supports a deleterious effect; Has not been previously published as pathogenic or benign to our knowledge

NM_002291.3(LAMB1):c.2779C>T (p.Arg927Cys)

Gene: LAMB1 (laminin subunit beta 1; minus strand). Cytogenetic location: 7q31.1.
Variant type: single nucleotide variant.
Coding change: c.2779C>T on transcript NM_002291.3 (MANE Select); coding-DNA position 2779, C replaced by T.
Protein change: p.Arg927Cys; replaces arginine 927 with cysteine.
Molecular consequence: missense variant.
Genome position (GRCh38, 1-based): chr7:107,955,542, G>A on the plus strand (C>T on the coding strand, the complement: LAMB1 is on the minus strand). VCF-style: chr7-107955542-G-A. GRCh37 (hg19) VCF-style: chr7-107595987-G-A.
Other names: short protein forms R927C.
Identifiers: ClinVar variation 1302574 (VCV001302574.6), dbSNP rs780057144, ClinGen allele CA4435529.
Genomic context (GRCh38, chr7:107,955,542, plus strand): 5'-CACAAACACAGGCAAGCTGTAAAGTAACAGGATCTTGGTAGCAGCTCCTGGCAAACTGGC[G>A]TCCACTGTCGGGACCATCTGGGCAAGGGCAAGGGCGGCAGTGATCTCCTGACCCAATGAT-3'
Protein context (NP_002282.2, residues 917-937): CPCPDGPDSG[Arg927Cys]QFARSCYQDP